The following is an entry in ClinVar:

NM_001134407.3(GRIN2A):c.2595+12G>A

Gene: GRIN2A (glutamate ionotropic receptor NMDA type subunit 2A; minus strand). Cytogenetic location: 16p13.2.
Variant type: single nucleotide variant.
Coding change: c.2595+12G>A on transcript NM_001134407.3 (MANE Select); 12 bases into the intron after coding-DNA position 2595, G replaced by A.
Molecular consequence: intron variant.
Genome position (GRCh38, 1-based): chr16:9,768,839, C>T on the plus strand (G>A on the coding strand, the complement: GRIN2A is on the minus strand). VCF-style: chr16-9768839-C-T. GRCh37 (hg19) VCF-style: chr16-9862696-C-T.
Other names: c.2595+12G>A (NM_001134408.2, NM_000833.5).
Identifiers: ClinVar variation 509912 (VCV000509912.7), dbSNP rs746566593, ClinGen allele CA7896475.

ClinVar aggregate classification (germline): Conflicting classifications of pathogenicity. Review status: criteria provided, conflicting classifications (1 of 4 stars). 3 submissions from 3 submitters: Uncertain significance (1); Likely benign (2). Last evaluated 2025-03-05.

Conditions:
Landau-Kleffner syndrome (FESD). Also called: EPILEPSY, FOCAL, WITH SPEECH DISORDER AND WITH OR WITHOUT MENTAL RETARDATION; APHASIA, ACQUIRED, WITH EPILEPSY. Identifiers: Orphanet 1945, Orphanet 725, Orphanet 98818, MedGen C0282512, MONDO:0009509, OMIM 245570.

Allele frequency attached by ClinVar (database versions not stated): TOPMed 0.00001; ExAC 0.00001.
gnomAD v4.1: 15 of 1,588,946 alleles (0.00094%); highest among the groups gnomAD compares: Admixed American, 0.0017%; no homozygotes.

Submissions (3):

Labcorp Genetics (formerly Invitae), Labcorp
Classification: Likely benign for Landau-Kleffner syndrome. Last evaluated: 2025-03-05. Review status: criteria provided, single submitter. Criteria: Invitae Variant Classification Sherloc (09022015). Collection method: clinical testing. Allele origin: germline.

Illumina Laboratory Services, Illumina
Classification: Uncertain significance for Landau-Kleffner syndrome. Last evaluated: 2018-01-12. Review status: criteria provided, single submitter. Criteria: ICSL Variant Classification Criteria 13 December 2019. Collection method: clinical testing. Allele origin: germline.

GeneDx
Classification: Likely benign. Last evaluated: 2017-06-01. Review status: criteria provided, single submitter. Criteria: GeneDx Variant Classification (06012015). Collection method: clinical testing. Allele origin: germline. Affected: yes.
Comment: This variant is considered likely benign or benign based on one or more of the following criteria: it is a conservative change, it occurs at a poorly conserved position in the protein, it is predicted to be benign by multiple in silico algorithms, and/or has population frequency not consistent with disease.